The following is an entry in ClinVar:

ClinVar aggregate classification (germline): Uncertain significance (1 of 4 stars; one submission).

Conditions:
Cardiovascular phenotype. Identifiers: MedGen CN230736.

Submission:

Ambry Genetics
Classification: Uncertain significance for Cardiovascular phenotype. Last evaluated: 2023-04-18. Review status: criteria provided, single submitter. Criteria: Ambry Variant Classification Scheme 2023. Collection method: clinical testing. Allele origin: germline.
Comment: The p.E1073A variant (also known as c.3218A>C), located in coding exon 11 of the RBM20 gene, results from an A to C substitution at nucleotide position 3218. The glutamic acid at codon 1073 is replaced by alanine, an amino acid with dissimilar properties. This amino acid position is conserved. In addition, this alteration is predicted to be tolerated by in silico analysis. Since supporting evidence is limited at this time, the clinical significance of this alteration remains unclear.

NM_001134363.3(RBM20):c.3218A>C (p.Glu1073Ala)

Gene: RBM20 (RNA binding motif protein 20; plus strand). Cytogenetic location: 10q25.2.
Variant type: single nucleotide variant.
Coding change: c.3218A>C on transcript NM_001134363.3 (MANE Select); coding-DNA position 3218, A replaced by C.
Protein change: p.Glu1073Ala; replaces glutamic acid 1073 with alanine.
Molecular consequence: missense variant.
Genome position (GRCh38, 1-based): chr10:110,821,837, A>C. VCF-style: chr10-110821837-A-C. GRCh37 (hg19) VCF-style: chr10-112581595-A-C.
Other names: short protein forms E1073A.
Identifiers: ClinVar variation 2564174 (VCV002564174.2), dbSNP rs2493495417, ClinGen allele CA378381917.
Genomic context (GRCh38, chr10:110,821,837, plus strand): 5'-AGGAGAGGGCCCGGCAGCCAAGCCCATTTGTGGATGATTGCAAGACCAGGGGGACCCCCG[A>C]AGATGGGGCTTGTGAAGGCAGCCCCCTGGAGGAGAAAGCCAGCCCCCCCATCGAAACTGA-3'
Protein context (NP_001127835.2, residues 1063-1083): VDDCKTRGTP[Glu1073Ala]DGACEGSPLE